The following is an entry in ClinVar:

NM_005477.3(HCN4):c.2668C>G (p.Pro890Ala)

Gene: HCN4 (hyperpolarization activated cyclic nucleotide gated potassium channel 4; minus strand). Cytogenetic location: 15q24.1.
Variant type: single nucleotide variant.
Coding change: c.2668C>G on transcript NM_005477.3 (MANE Select); coding-DNA position 2668, C replaced by G.
Protein change: p.Pro890Ala; replaces proline 890 with alanine.
Molecular consequence: missense variant.
Genome position (GRCh38, 1-based): chr15:73,323,425, G>C on the plus strand (C>G on the coding strand, the complement: HCN4 is on the minus strand). VCF-style: chr15-73323425-G-C. GRCh37 (hg19) VCF-style: chr15-73615766-G-C.
Other names: short protein forms P890A.
Identifiers: ClinVar variation 1021819 (VCV001021819.8), dbSNP rs184801511, ClinGen allele CA393088449.

ClinVar aggregate classification (germline): Uncertain significance (1 of 4 stars; one submission).

Conditions:
Brugada syndrome 8 (BRGDA8). Identifiers: Orphanet 130, MedGen C2751083, MONDO:0013148, OMIM 613123.

Submission:

Labcorp Genetics (formerly Invitae), Labcorp
Classification: Uncertain significance for Brugada syndrome 8. Last evaluated: 2022-07-19. Review status: criteria provided, single submitter. Criteria: Invitae Variant Classification Sherloc (09022015). Collection method: clinical testing. Allele origin: germline.
Comment: In summary, the available evidence is currently insufficient to determine the role of this variant in disease. Therefore, it has been classified as a Variant of Uncertain Significance. Advanced modeling of protein sequence and biophysical properties (such as structural, functional, and spatial information, amino acid conservation, physicochemical variation, residue mobility, and thermodynamic stability) performed at Invitae indicates that this missense variant is not expected to disrupt HCN4 protein function. ClinVar contains an entry for this variant (Variation ID: 1021819). This variant has not been reported in the literature in individuals affected with HCN4-related conditions. This variant is not present in population databases (gnomAD no frequency). This sequence change replaces proline, which is neutral and non-polar, with alanine, which is neutral and non-polar, at codon 890 of the HCN4 protein (p.Pro890Ala).